The following is an entry in ClinVar:

ClinVar aggregate classification (germline): Uncertain significance (1 of 4 stars; one submission).

Conditions:
Autosomal dominant nonsyndromic hearing loss 6 (LFSNHL). Also called: DEAFNESS, AUTOSOMAL DOMINANT 6; DEAFNESS, AUTOSOMAL DOMINANT 14; DEAFNESS, AUTOSOMAL DOMINANT 38; Autosomal dominant nonsyndromic deafness 6. Identifiers: Orphanet 90635, MedGen C1833021, MONDO:0010963, OMIM 600965.
Wolfram-like syndrome. Also called: HEARING LOSS, PROGRESSIVE, WITH OPTIC ATROPHY AND/OR IMPAIRED GLUCOSE REGULATION. Identifiers: Orphanet 411590, MedGen C3280358, MONDO:0013673, OMIM 614296.
Wolfram syndrome 1 (WFS1). Identifiers: Orphanet 3463, MedGen C4551693, MONDO:0009101, OMIM 222300.
Type 2 diabetes mellitus. Also called: Type II diabetes mellitus. Identifiers: MedGen C0011860, MeSH D003924, MONDO:0005148, OMIM 125853, HP:0005978.
Cataract 41 (CTRCT41). Also called: CATARACT 41, CONGENITAL NUCLEAR TYPE. Identifiers: Orphanet 91492, Orphanet 98991, Orphanet 98992, Orphanet 98995, MedGen C3805412, MONDO:0007287, OMIM 116400.

Submission:

Juno Genomics, Hangzhou Juno Genomics, Inc
Classification: Uncertain significance for Cataract 41; Type 2 diabetes mellitus; Autosomal dominant nonsyndromic hearing loss 6; Wolfram syndrome 1; Wolfram-like syndrome. Review status: criteria provided, single submitter. Criteria: ACMG Guidelines, 2015. Collection method: clinical testing. Allele origin: germline. Affected: yes.
Comment: Absent from controls (or at extremely low frequency if recessive) in Genome Aggregation Database, Exome Sequencing Project, 1000 Genomes Project, or Exome Aggregation Consortium.;For recessive disorders, detected in trans with a pathogenic variant.

NM_006005.3(WFS1):c.2637C>G (p.Phe879Leu)

Gene: WFS1 (wolframin ER transmembrane glycoprotein; plus strand). Cytogenetic location: 4p16.1.
Variant type: single nucleotide variant.
Coding change: c.2637C>G on transcript NM_006005.3 (MANE Select); coding-DNA position 2637, C replaced by G.
Protein change: p.Phe879Leu; replaces phenylalanine 879 with leucine.
Molecular consequence: missense variant.
Genome position (GRCh38, 1-based): chr4:6,302,432, C>G. VCF-style: chr4-6302432-C-G. GRCh37 (hg19) VCF-style: chr4-6304159-C-G.
Other names: c.2637C>G, p.Phe879Leu (NM_001145853.1); short protein forms F879L.
Identifiers: ClinVar variation 3382082 (VCV003382082.2).